The following is an entry in ClinVar:

ClinVar aggregate classification (germline): Benign (1 of 4 stars; one submission).

Conditions:
Familial X-linked hypophosphatemic vitamin D refractory rickets (XLHRD). Also called: X-Linked Hypophosphatemia; HYPOPHOSPHATEMIC VITAMIN D-RESISTANT RICKETS; Hypophosphatemic Rickets, X-Linked Dominant; Hypophosphatemia, vitamin D-resistant rickets; Vitamin D-resistant rickets, X-linked. Identifiers: Orphanet 89936, MedGen C0733682, MONDO:0010619, OMIM 307800.

Allele frequency attached by ClinVar (database versions not stated): gnomAD 0.00008 and 0.00011; TOPMed 0.00016; gnomAD exomes 0.00029; 1000 Genomes Project 30x 0.00062; 1000 Genomes Project 0.00079.
gnomAD v4.1: 40 of 215,971 alleles (0.019%); highest among the groups gnomAD compares: East Asian, 0.41%; 1 homozygote.

Submission:

Illumina Laboratory Services, Illumina
Classification: Benign for Familial X-linked hypophosphatemic vitamin D refractory rickets. Last evaluated: 2018-01-13. Review status: criteria provided, single submitter. Criteria: ICSL Variant Classification Criteria 13 December 2019. Collection method: clinical testing. Allele origin: germline.
Comment: This variant was observed in the ICSL laboratory as part of a predisposition screen in an ostensibly healthy population. It had not been previously curated by ICSL or reported in the Human Gene Mutation Database (HGMD: prior to June 1st, 2018), and was therefore a candidate for classification through an automated scoring system. Utilizing variant allele frequency, disease prevalence and penetrance estimates, and inheritance mode, an automated score was calculated to assess if this variant is too frequent to cause the disease. Based on the score and internal cut-off values, a variant classified as benign is not then subjected to further curation. The score for this variant resulted in a classification of benign for this disease.

NM_000444.6(PHEX):c.*361T>C

Genes: PHEX (phosphate regulating endopeptidase X-linked; plus strand), PTCHD1-AS (PTCHD1 and PHEX antisense RNA; minus strand). Cytogenetic location: Xp22.11.
Variant type: single nucleotide variant.
Coding change: c.*361T>C on transcript NM_000444.6 (MANE Select); 361 bases downstream of the stop codon, T replaced by C.
Molecular consequence: 3 prime UTR variant.
Genome position (GRCh38, 1-based): chrX:22,248,314, T>C. VCF-style: chrX-22248314-T-C. GRCh37 (hg19) VCF-style: chrX-22266431-T-C.
Other names: c.*446T>C (NM_001282754.2).
Identifiers: ClinVar variation 368178 (VCV000368178.5), dbSNP rs182654518, ClinGen allele CA10651811.